The following is an entry in ClinVar:

ClinVar aggregate classification (germline): Pathogenic (1 of 4 stars; one submission).

Submission:

Labcorp Genetics (formerly Invitae), Labcorp
Classification: Pathogenic. Last evaluated: 2019-09-30. Review status: criteria provided, single submitter. Criteria: Invitae Variant Classification Sherloc (09022015). Collection method: clinical testing. Allele origin: germline.
Comment: For these reasons, this variant has been classified as Pathogenic. Loss-of-function variants in VPS13A are known to be pathogenic (PMID: 12404112, 21598378). This variant has not been reported in the literature in individuals with VPS13A-related conditions. This variant is not present in population databases (ExAC no frequency). This sequence change creates a premature translational stop signal (p.Lys1076Argfs*9) in the VPS13A gene. It is expected to result in an absent or disrupted protein product.

Literature cited by the submitters: PubMed 12404112; PubMed 21598378.

NM_033305.3(VPS13A):c.3227del (p.Lys1076fs)

Gene: VPS13A (vacuolar protein sorting 13 homolog A; plus strand). Cytogenetic location: 9q21.2.
Variant type: Deletion.
Coding change: c.3227del on transcript NM_033305.3 (MANE Select); coding-DNA position 3227, one base deleted (A; older notation c.3227delA).
Protein change: p.Lys1076fs; shifts the reading frame from lysine 1076.
Molecular consequence: frameshift variant. On other transcripts: intron variant (1).
Genome position (GRCh38, 1-based): chr9:77,283,463, A deleted; the last of 2 consecutive A bases (chr9:77,283,462-77,283,463); deleting either gives the same sequence. VCF-style (leftmost placement, unchanged base first): chr9-77283461-TA-T. GRCh37 (hg19) VCF-style: chr9-79898377-TA-T.
Other names: c.3227del, p.Lys1076fs (NM_001018038.3, NM_015186.4); c.3119-84del (NM_001018037.2); short protein forms K1076fs.
Identifiers: ClinVar variation 943530 (VCV000943530.7), dbSNP rs1406208410, ClinGen allele CA867033191.